The following is an entry in ClinVar:

ClinVar aggregate classification (germline): Uncertain significance. Review status: criteria provided, multiple submitters, no conflicts (2 of 4 stars). 2 submissions from 2 submitters: Uncertain significance (2). Last evaluated 2022-08-09.

Conditions:
RASopathy. Also called: Noonan spectrum disorder; rasopathies. Identifiers: Orphanet 536391, MedGen C5555857, MONDO:0021060.

Submissions (2):

Labcorp Genetics (formerly Invitae), Labcorp
Classification: Uncertain significance for RASopathy. Last evaluated: 2022-08-09. Review status: criteria provided, single submitter. Criteria: Invitae Variant Classification Sherloc (09022015). Collection method: clinical testing. Allele origin: germline.
Comment: This variant has not been reported in the literature in individuals affected with CBL-related conditions. This variant is not present in population databases (gnomAD no frequency). This variant, c.121_129dup, results in the insertion of 3 amino acid(s) of the CBL protein (p.His41_Leu43dup), but otherwise preserves the integrity of the reading frame. In summary, the available evidence is currently insufficient to determine the role of this variant in disease. Therefore, it has been classified as a Variant of Uncertain Significance.

Blueprint Genetics
Classification: Uncertain significance. Last evaluated: 2021-03-03. Review status: criteria provided, single submitter. Criteria: ACMG Guidelines, 2015. Collection method: clinical testing. Allele origin: germline.

NM_005188.4(CBL):c.121_129dup (p.Leu43_Ser44insHisHisLeu)

Genes: CBL (Cbl proto-oncogene; plus strand), LOC130006895 (ATAC-STARR-seq lymphoblastoid silent region 3975; plus strand). Cytogenetic location: 11q23.3.
Variant type: Duplication.
Coding change: c.121_129dup on transcript NM_005188.4 (MANE Select); coding-DNA positions 121 to 129, 9 bases duplicated (CACCACCTC; older notation c.121_129dupCACCACCTC).
Protein change: p.Leu43_Ser44insHisHisLeu.
Molecular consequence: inframe insertion.
Genome position (GRCh38, 1-based): chr11:119,206,538-119,206,546, CACCACCTC duplicated; duplicating any 9 consecutive bases within chr11:119,206,537-119,206,546 gives the same sequence; the c. name uses the placement nearest the transcript's 3' end. VCF-style (leftmost placement, unchanged base first): chr11-119206536-A-ACCACCACCT. GRCh37 (hg19) VCF-style: chr11-119077246-A-ACCACCACCT.
Identifiers: ClinVar variation 2023193 (VCV002023193.5), dbSNP rs2496819536, ClinGen allele CA2580083641.
Genomic context (GRCh38, chr11:119,206,536, plus strand): 5'-CGGGTTCGGGTGGCCTGATTGGGCTCATGAAGGACGCCTTCCAGCCGCACCACCACCACC[A>ACCACCACCT]CCACCACCTCAGCCCCCACCCGCCGGGGACGGTGGACAAGAAGATGGTGGAGAAGTGCTG-3'